The following is an entry in ClinVar:

NM_022124.6(CDH23):c.6254-1G>A

Gene: CDH23 (cadherin related 23; plus strand). Cytogenetic location: 10q22.1.
Variant type: single nucleotide variant.
Coding change: c.6254-1G>A on transcript NM_022124.6 (MANE Select); the canonical splice acceptor site of the intron before coding-DNA position 6254, G replaced by A.
Molecular consequence: splice acceptor variant.
Genome position (GRCh38, 1-based): chr10:71,793,181, G>A. VCF-style: chr10-71793181-G-A. GRCh37 (hg19) VCF-style: chr10-73552938-G-A.
Identifiers: ClinVar variation 4816087 (VCV004816087.1).

ClinVar aggregate classification (germline): Likely pathogenic (1 of 4 stars; one submission).

Conditions:
Usher syndrome type 1 (USH1). Also called: RETINITIS PIGMENTOSA AND CONGENITAL DEAFNESS. Identifiers: Orphanet 231169, Orphanet 886, MedGen C1568247, MONDO:0010168, OMIM 276900.

gnomAD v4.1: 3 of 1,608,958 alleles (0.00019%); highest among the groups gnomAD compares: Non-Finnish European, 0.00025%; no homozygotes.

Submission:

Natera, Inc.
Classification: Likely pathogenic for Usher syndrome type 1. Last evaluated: 2024-06-03. Review status: criteria provided, single submitter. Criteria: Natera Variant Classification Schema (03/2026). Collection method: clinical testing. Allele origin: germline.
Comment: The c.6254-1G>A variant in CDH23 is a canonical splice acceptor site variant predicted to affect pre-mRNA splicing, which may result in an abnormal transcript and altered protein product. This variant is expected to result in nonsense mediated decay, truncation, or a dysfunctional protein product. This variant is rare in the general population with a frequency below the threshold expected for the associated phenotype(s). Given the available evidence, this variant is classified as Likely Pathogenic.